The following is an entry in ClinVar:

ClinVar aggregate classification (germline): Uncertain significance (1 of 4 stars; one submission).

Conditions:
Inborn genetic diseases. Identifiers: MedGen C0950123, MeSH D030342.

gnomAD v4.1: 26 of 1,614,166 alleles (0.0016%); highest among the groups gnomAD compares: Non-Finnish European, 0.0022%; no homozygotes.

Submission:

Ambry Genetics
Classification: Uncertain significance for Inborn genetic diseases. Last evaluated: 2025-10-01. Review status: criteria provided, single submitter. Criteria: Ambry Variant Classification Scheme 2023. Collection method: clinical testing. Allele origin: germline.
Comment: The c.1040T>C (p.V347A) alteration is located in exon 9 (coding exon 8) of the B4GALNT1 gene. This alteration results from a T to C substitution at nucleotide position 1040, causing the valine (V) at amino acid position 347 to be replaced by an alanine (A). Based on data from gnomAD, the C allele has an overall frequency of 0.001% (2/251464) total alleles studied. The highest observed frequency was 0.002% (2/113756) of European (non-Finnish) alleles. Based on insufficient or conflicting evidence, the clinical significance of this alteration remains unclear.

NM_001478.5(B4GALNT1):c.1040T>C (p.Val347Ala)

Gene: B4GALNT1 (beta-1,4-N-acetyl-galactosaminyltransferase 1; minus strand). Cytogenetic location: 12q13.3.
Variant type: single nucleotide variant.
Coding change: c.1040T>C on transcript NM_001478.5 (MANE Select); coding-DNA position 1040, T replaced by C.
Protein change: p.Val347Ala; replaces valine 347 with alanine.
Molecular consequence: missense variant.
Genome position (GRCh38, 1-based): chr12:57,628,225, A>G on the plus strand (T>C on the coding strand, the complement: B4GALNT1 is on the minus strand). VCF-style: chr12-57628225-A-G. GRCh37 (hg19) VCF-style: chr12-58022008-A-G.
Other names: c.875T>C, p.Val292Ala (NM_001413978.1, NM_001276468.2); c.188T>C, p.Val63Ala (NM_001413981.1); c.53T>C, p.Val18Ala (NM_001413982.1, NM_001413983.1, NM_001413984.1); c.1175T>C, p.Val392Ala (NM_001413967.1, NM_001413968.1, NM_001413969.1); c.1040T>C, p.Val347Ala (NM_001413970.1, NM_001413971.1, NM_001413972.1 and 2 more transcripts); c.941T>C, p.Val314Ala (NM_001413977.1); short protein forms V18A, V63A, V314A, V347A, V292A, V392A.
Identifiers: ClinVar variation 4594049 (VCV004594049.1).